The following is an entry in ClinVar:

ClinVar aggregate classification (germline): Uncertain significance. Review status: criteria provided, multiple submitters, no conflicts (2 of 4 stars). 2 submissions from 2 submitters: Uncertain significance (2). Last evaluated 2025-05-06.

Conditions:
Hereditary cancer-predisposing syndrome. Also called: Neoplastic Syndromes, Hereditary; Hereditary Cancer Syndrome; Tumor predisposition; Hereditary neoplastic syndrome. Identifiers: Orphanet 140162, MedGen C0027672, MeSH D009386, MONDO:0015356.
Familial cancer of breast. Also called: hereditary breast carcinoma; BREAST CANCER, FAMILIAL; Hereditary breast cancer. Identifiers: Orphanet 227535, MedGen C0346153, MONDO:0016419, OMIM 114480. Disease mechanism: loss of function.

Submissions (2):

Ambry Genetics
Classification: Uncertain significance for Hereditary cancer-predisposing syndrome. Last evaluated: 2025-05-06. Review status: criteria provided, single submitter. Criteria: Ambry Variant Classification Scheme 2023. Collection method: clinical testing. Allele origin: germline.
Comment: The p.D77N variant (also known as c.229G>A), located in coding exon 1 of the CHEK2 gene, results from a G to A substitution at nucleotide position 229. The aspartic acid at codon 77 is replaced by asparagine, an amino acid with highly similar properties. This amino acid position is conserved. In addition, the in silico prediction for this alteration is inconclusive. Based on the available evidence, the clinical significance of this variant remains unclear.

Labcorp Genetics (formerly Invitae), Labcorp
Classification: Uncertain significance for Familial cancer of breast. Last evaluated: 2023-03-18. Review status: criteria provided, single submitter. Criteria: Invitae Variant Classification Sherloc (09022015). Collection method: clinical testing. Allele origin: germline.
Comment: This variant is not present in population databases (gnomAD no frequency). This variant has not been reported in the literature in individuals affected with CHEK2-related conditions. ClinVar contains an entry for this variant (Variation ID: 1472898). An algorithm developed to predict the effect of missense changes on protein structure and function (PolyPhen-2) suggests that this variant is likely to be disruptive. In summary, the available evidence is currently insufficient to determine the role of this variant in disease. Therefore, it has been classified as a Variant of Uncertain Significance. This sequence change replaces aspartic acid, which is acidic and polar, with asparagine, which is neutral and polar, at codon 77 of the CHEK2 protein (p.Asp77Asn).

NM_007194.4(CHEK2):c.229G>A (p.Asp77Asn)

Gene: CHEK2 (checkpoint kinase 2; minus strand). Cytogenetic location: 22q12.1.
Variant type: single nucleotide variant.
Coding change: c.229G>A on transcript NM_007194.4 (MANE Select); coding-DNA position 229, G replaced by A.
Protein change: p.Asp77Asn; replaces aspartic acid 77 with asparagine.
Molecular consequence: missense variant.
Genome position (GRCh38, 1-based): chr22:28,734,493, C>T on the plus strand (G>A on the coding strand, the complement: CHEK2 is on the minus strand). VCF-style: chr22-28734493-C-T. GRCh37 (hg19) VCF-style: chr22-29130481-C-T.
Other names: c.229G>A, p.Asp77Asn (NM_001005735.3, NM_001349956.3, NM_145862.3); c.-549G>A (NM_001257387.3); short protein forms D77N.
Identifiers: ClinVar variation 1472898 (VCV001472898.8), dbSNP rs2146146789, ClinGen allele CA411090685.
Genomic context (GRCh38, chr22:28,734,493, plus strand): 5'-ATAATCGAGCCCAGGGGGCAGGGGTAGGCTCCTCAGGTTCTTGGTCCTCAGGTTCTTGGT[C>T]CTCAGGAATAGAATAGAGTTCCTGAGTGGACACTGTCTCTAAGGAGCTCAGTGTCCCAGA-3'
Protein context (NP_009125.1, residues 67-87): STQELYSIPE[Asp77Asn]QEPEDQEPEE